The following is an entry in ClinVar:

NM_001261826.3(AP3D1):c.1666C>G (p.Arg556Gly)

Gene: AP3D1 (adaptor related protein complex 3 subunit delta 1; minus strand). Cytogenetic location: 19p13.3.
Variant type: single nucleotide variant.
Coding change: c.1666C>G on transcript NM_001261826.3 (MANE Select); coding-DNA position 1666, C replaced by G.
Protein change: p.Arg556Gly; replaces arginine 556 with glycine.
Molecular consequence: missense variant.
Genome position (GRCh38, 1-based): chr19:2,118,648, G>C on the plus strand (C>G on the coding strand, the complement: AP3D1 is on the minus strand). VCF-style: chr19-2118648-G-C. GRCh37 (hg19) VCF-style: chr19-2118647-G-C.
Other names: c.1666C>G (NM_003938.5); c.1666C>G, p.Arg556Gly (NM_001374799.1, NM_003938.8); short protein forms R556G.
Identifiers: ClinVar variation 1433857 (VCV001433857.7), dbSNP rs755474562, ClinGen allele CA9059247.
Genomic context (GRCh38, chr19:2,118,648, plus strand): 5'-TGTTGGATCTTACCCGCTCCTGCACCTCCAGGTCTGCGCTCTGCACAAACTGGGGCAGCC[G>C]GTCCACCATGAGCTGGGTGACGGCCTGAGCGCCCTCTGCCTCCCCGGCCTGCTCCTTCTG-3'
Protein context (NP_001248755.1, residues 546-566): AQAVTQLMVD[Arg556Gly]LPQFVQSADL

ClinVar aggregate classification (germline): Uncertain significance. Review status: criteria provided, multiple submitters, no conflicts (2 of 4 stars). 2 submissions from 2 submitters: Uncertain significance (2). Last evaluated 2024-11-15.

Conditions:
Inborn genetic diseases. Identifiers: MedGen C0950123, MeSH D030342.

gnomAD v4.1: 3 of 1,612,472 alleles (0.00019%); highest among the groups gnomAD compares: Admixed American, 0.005%; no homozygotes.

Submissions (2):

Ambry Genetics
Classification: Uncertain significance for Inborn genetic diseases. Last evaluated: 2024-11-15. Review status: criteria provided, single submitter. Criteria: Ambry Variant Classification Scheme 2023. Collection method: clinical testing. Allele origin: germline.

Labcorp Genetics (formerly Invitae), Labcorp
Classification: Uncertain significance. Last evaluated: 2021-09-15. Review status: criteria provided, single submitter. Criteria: Invitae Variant Classification Sherloc (09022015). Collection method: clinical testing. Allele origin: germline.
Comment: In summary, the available evidence is currently insufficient to determine the role of this variant in disease. Therefore, it has been classified as a Variant of Uncertain Significance. Algorithms developed to predict the effect of missense changes on protein structure and function (SIFT, PolyPhen-2, Align-GVGD) all suggest that this variant is likely to be tolerated. This variant has not been reported in the literature in individuals affected with AP3D1-related conditions. This variant is present in population databases (rs755474562, ExAC 0.009%). This sequence change replaces arginine with glycine at codon 556 of the AP3D1 protein (p.Arg556Gly). The arginine residue is moderately conserved and there is a moderate physicochemical difference between arginine and glycine.